The following is an entry in ClinVar:

ClinVar aggregate classification (germline): Uncertain significance. Review status: criteria provided, multiple submitters, no conflicts (2 of 4 stars). 4 submissions from 4 submitters: Uncertain significance (4). Last evaluated 2026-01-26.

Conditions:
Inborn genetic diseases. Identifiers: MedGen C0950123, MeSH D030342.
Myopathy, proximal, and ophthalmoplegia (CMYO6). Also called: MYOPATHY WITH CONGENITAL JOINT CONTRACTURES, OPHTHALMOPLEGIA, AND RIMMED VACUOLES; INCLUSION BODY MYOPATHY 3, AUTOSOMAL DOMINANT; CONGENITAL MYOPATHY 6 WITH OPHTHALMOPLEGIA. Identifiers: Orphanet 363677, Orphanet 79091, MedGen C1854106, MONDO:0011577, OMIM 605637.

Allele frequency attached by ClinVar (database versions not stated): gnomAD 0.00002 and 0.00003; ExAC 0.00003; TOPMed 0.00005; ESP Exome Variant Server 0.00015; 1000 Genomes Project 30x 0.00016; 1000 Genomes Project 0.00020.

Submissions (4):

Labcorp Genetics (formerly Invitae), Labcorp
Classification: Uncertain significance for Myopathy, proximal, and ophthalmoplegia. Last evaluated: 2026-01-26. Review status: criteria provided, single submitter. Criteria: Invitae Variant Classification Sherloc (09022015). Collection method: clinical testing. Allele origin: germline.
Comment: This sequence change replaces threonine, which is neutral and polar, with methionine, which is neutral and non-polar, at codon 61 of the MYH2 protein (p.Thr61Met). This variant is present in population databases (rs145979297, gnomAD 0.01%). This variant has not been reported in the literature in individuals affected with MYH2-related conditions. ClinVar contains an entry for this variant (Variation ID: 1057558). Invitae Evidence Modeling of protein sequence and biophysical properties (such as structural, functional, and spatial information, amino acid conservation, physicochemical variation, residue mobility, and thermodynamic stability) indicates that this missense variant is not expected to disrupt MYH2 protein function with a negative predictive value of 80%. In summary, the available evidence is currently insufficient to determine the role of this variant in disease. Therefore, it has been classified as a Variant of Uncertain Significance.

Ambry Genetics
Classification: Uncertain significance for Inborn genetic diseases. Last evaluated: 2025-08-14. Review status: criteria provided, single submitter. Criteria: Ambry Variant Classification Scheme 2023. Collection method: clinical testing. Allele origin: germline.

GeneDx
Classification: Uncertain significance. Last evaluated: 2022-03-07. Review status: criteria provided, single submitter. Criteria: GeneDx Variant Classification Process June 2021. Collection method: clinical testing. Allele origin: germline. Affected: yes.
Comment: In silico analysis supports that this missense variant has a deleterious effect on protein structure/function; Has not been previously published as pathogenic or benign to our knowledge

Revvity Omics, Revvity
Classification: Uncertain significance for Myopathy, proximal, and ophthalmoplegia. Last evaluated: 2020-10-27. Review status: criteria provided, single submitter. Criteria: ACMG Guidelines, 2015. Collection method: clinical testing. Allele origin: germline.

NM_017534.6(MYH2):c.182C>T (p.Thr61Met)

Genes: MYH2 (myosin heavy chain 2; minus strand), MYHAS (myosin heavy chain gene cluster antisense RNA; plus strand). Cytogenetic location: 17p13.1.
Variant type: single nucleotide variant.
Coding change: c.182C>T on transcript NM_017534.6 (MANE Select); coding-DNA position 182, C replaced by T.
Protein change: p.Thr61Met; replaces threonine 61 with methionine.
Molecular consequence: missense variant.
Genome position (GRCh38, 1-based): chr17:10,547,739, G>A on the plus strand (C>T on the coding strand, the complement: MYH2 is on the minus strand). VCF-style: chr17-10547739-G-A. GRCh37 (hg19) VCF-style: chr17-10451056-G-A.
Other names: c.182C>T, p.Thr61Met (NM_001100112.2); short protein forms T61M.
Identifiers: ClinVar variation 1057558 (VCV001057558.9), dbSNP rs145979297, ClinGen allele CA8391718.